The following is an entry in ClinVar:

NM_000551.4(VHL):c.387G>C (p.Leu129=)

Genes: VHL (von Hippel-Lindau tumor suppressor; plus strand), LOC107303340 (3p25 von Hippel-Lindau tumor suppressor, E3 ubiquitin protein ligase Alu-mediated recombination region; plus strand). Cytogenetic location: 3p25.3.
Variant type: single nucleotide variant.
Coding change: c.387G>C on transcript NM_000551.4 (MANE Select); coding-DNA position 387, G replaced by C.
Protein change: p.Leu129=; no amino-acid change (leucine 129 retained).
Molecular consequence: synonymous variant. On other transcripts: intron variant (2).
Genome position (GRCh38, 1-based): chr3:10,146,560, G>C. VCF-style: chr3-10146560-G-C. GRCh37 (hg19) VCF-style: chr3-10188244-G-C.
Other names: c.*18-3227G>C (NM_001354723.2); c.341-3227G>C (NM_198156.3).
Identifiers: ClinVar variation 796394 (VCV000796394.9), dbSNP rs778846471, ClinGen allele CA432421834.

ClinVar aggregate classification (germline): Benign/Likely benign. Review status: criteria provided, multiple submitters, no conflicts (2 of 4 stars). 2 submissions from 2 submitters: Benign (1); Likely benign (1). Last evaluated 2025-06-12.

Conditions:
Von Hippel-Lindau syndrome (VHLS). Also called: von Hippel–Lindau syndrome; Von Hippel-Lindau; VHL syndrome. Identifiers: Orphanet 892, MedGen C0019562, MONDO:0008667, OMIM 193300. Disease mechanism: loss of function.
Chuvash polycythemia. Also called: POLYCYTHEMIA, VHL-DEPENDENT. Identifiers: Orphanet 238557, MedGen C1837915, MONDO:0009892, OMIM 263400.

Submissions (2):

Myriad Genetics, Inc.
Classification: Benign for Von Hippel-Lindau syndrome. Last evaluated: 2025-06-12. Review status: criteria provided, single submitter. Criteria: Myriad Autosomal Dominant, Autosomal Recessive and X-Linked Classification Criteria (2023). Collection method: clinical testing. Allele origin: unknown.
Comment: This variant is considered benign. This variant is a silent/synonymous amino acid change and it is not expected to impact splicing.

Labcorp Genetics (formerly Invitae), Labcorp
Classification: Likely benign for Von Hippel-Lindau syndrome; Chuvash polycythemia. Last evaluated: 2022-08-14. Review status: criteria provided, single submitter. Criteria: Invitae Variant Classification Sherloc (09022015). Collection method: clinical testing. Allele origin: germline.